The following is an entry in ClinVar:

ClinVar aggregate classification (germline): Uncertain significance. Review status: criteria provided, multiple submitters, no conflicts (2 of 4 stars). 5 submissions from 5 submitters: Uncertain significance (5). Last evaluated 2025-08-18.

Conditions:
Cardiovascular phenotype. Identifiers: MedGen CN230736.
Cardiac arrhythmia. Also called: Arrhythmia; Cardiac rhythm disease. Identifiers: MedGen C0003811, MONDO:0007263, HP:0011675.
Long QT syndrome (LQTS). Identifiers: MedGen C0023976, MeSH D008133, MONDO:0002442. Disease mechanism: loss of function. Inheritance: Various modes of inheritance.

Allele frequency attached by ClinVar (database versions not stated): gnomAD exomes 0.00001 and 0.00003; ExAC 0.00002; gnomAD 0.00003.
gnomAD v4.1: 15 of 1,614,058 alleles (0.00093%); highest among the groups gnomAD compares: Non-Finnish European, 0.001%; no homozygotes.

Submissions (5):

Ambry Genetics
Classification: Uncertain significance for Cardiovascular phenotype. Last evaluated: 2025-08-18. Review status: criteria provided, single submitter. Criteria: Ambry Variant Classification Scheme 2023. Collection method: clinical testing. Allele origin: germline.
Comment: The p.A715V variant (also known as c.2144C>T), located in coding exon 8 of the KCNH2 gene, results from a C to T substitution at nucleotide position 2144. The alanine at codon 715 is replaced by valine, an amino acid with similar properties. This variant was reported in individual(s) with features consistent with KCNH2-related long QT syndrome (Mullally J et al. Heart Rhythm, 2013 Mar;10:378-82). This amino acid position is well conserved in available vertebrate species. In addition, this alteration is predicted to be deleterious by in silico analysis. Based on the available evidence, the clinical significance of this variant remains unclear.

Labcorp Genetics (formerly Invitae), Labcorp
Classification: Uncertain significance for Long QT syndrome. Last evaluated: 2025-06-18. Review status: criteria provided, single submitter. Criteria: Invitae Variant Classification Sherloc (09022015). Collection method: clinical testing. Allele origin: germline.
Comment: This sequence change replaces alanine, which is neutral and non-polar, with valine, which is neutral and non-polar, at codon 715 of the KCNH2 protein (p.Ala715Val). This variant is present in population databases (rs780656919, gnomAD 0.01%). This missense change has been observed in individual(s) with long QT syndrome (LQTS) (PMID: 23174487). ClinVar contains an entry for this variant (Variation ID: 200413). An algorithm developed to predict the effect of missense changes on protein structure and function (PolyPhen-2) suggests that this variant is likely to be disruptive. Experimental studies have shown that this missense change does not substantially affect KCNH2 function (PMID: 26958806). In summary, the available evidence is currently insufficient to determine the role of this variant in disease. Therefore, it has been classified as a Variant of Uncertain Significance.

All of Us Research Program, National Institutes of Health
Classification: Uncertain significance for Long QT syndrome. Last evaluated: 2024-07-20. Review status: criteria provided, single submitter. Criteria: ACMG Guidelines, 2015. Collection method: clinical testing. Allele origin: germline. Inheritance: Autosomal dominant inheritance. Observed: 5 variant alleles, 5 heterozygotes.
Comment: This missense variant replaces alanine with valine at codon 715 of the KCNH2 protein. Computational prediction suggests that this variant may have deleterious impact on protein structure and function (internally defined REVEL score threshold >= 0.7, PMID: 27666373). A functional study showed that this variant had similar expression compared to wild type (PMID: 26958806). This variant has been reported in individuals affected with long QT syndrome. However, those individuals have other long QT syndrome related co-variants (PMID: 23174487). This variant has been identified in 8/282710 chromosomes in the general population by the Genome Aggregation Database (gnomAD). The available evidence is insufficient to determine the role of this variant in disease conclusively. Therefore, this variant is classified as a Variant of Uncertain Significance.

This study involves interpretation of variants in research participants for the purpose of population health screening. Participant phenotype was not available at the time of variant classification. Additional details can be found in publication PMID: 35346344, PMCID: PMC8962531

Color Diagnostics, LLC DBA Color Health
Classification: Uncertain significance for Cardiac arrhythmia. Last evaluated: 2024-07-10. Review status: criteria provided, single submitter. Criteria: ACMG Guidelines, 2015. Collection method: clinical testing. Allele origin: germline.
Comment: This missense variant replaces alanine with valine at codon 715 of the KCNH2 protein. Computational prediction suggests that this variant may have deleterious impact on protein structure and function (internally defined REVEL score threshold >= 0.7, PMID: 27666373). A functional study showed that this variant had similar expression compared to wild type (PMID: 26958806). This variant has been reported in individuals affected with long QT syndrome. However, those individuals have other long QT syndrome related co-variants (PMID: 23174487). This variant has been identified in 8/282710 chromosomes in the general population by the Genome Aggregation Database (gnomAD). The available evidence is insufficient to determine the role of this variant in disease conclusively. Therefore, this variant is classified as a Variant of Uncertain Significance.

Laboratory for Molecular Medicine, Mass General Brigham Personalized Medicine
Classification: Uncertain significance. Last evaluated: 2016-03-31. Review status: criteria provided, single submitter. Criteria: LMM Criteria. Collection method: clinical testing. Allele origin: germline.
Comment: Variant identified in a genome or exome case(s) and assessed due to predicted null impact of the variant or pathogenic assertions in the literature or databases. Disclaimer: This variant has not undergone full assessment. The following are preliminary notes: No predicted splice impact; 1 paper in HGMD; ExAC: 2/66498 European; ClinVar: 1 VUS

Literature cited by the submitters: PubMed 23174487 (cited by 4 submitters); PubMed 26958806 (cited by 4 submitters).

NM_000238.4(KCNH2):c.2144C>T (p.Ala715Val)

Gene: KCNH2 (potassium voltage-gated channel subfamily H member 2; minus strand). Cytogenetic location: 7q36.1.
Variant type: single nucleotide variant.
Coding change: c.2144C>T on transcript NM_000238.4 (MANE Select); coding-DNA position 2144, C replaced by T.
Protein change: p.Ala715Val; replaces alanine 715 with valine.
Molecular consequence: missense variant.
Genome position (GRCh38, 1-based): chr7:150,950,922, G>A on the plus strand (C>T on the coding strand, the complement: KCNH2 is on the minus strand). VCF-style: chr7-150950922-G-A. GRCh37 (hg19) VCF-style: chr7-150648010-G-A.
Other names: c.1124C>T, p.Ala375Val (NM_001204798.2, NM_172057.3); c.1856C>T, p.Ala619Val (NM_001406753.1, NM_001406756.1); c.1967C>T, p.Ala656Val (NM_001406755.1); c.1844C>T, p.Ala615Val (NM_001406757.1); c.2144C>T, p.Ala715Val (NM_172056.3); short protein forms A375V, A715V, A615V, A619V, A656V.
Identifiers: ClinVar variation 200413 (VCV000200413.28), dbSNP rs780656919, ClinGen allele CA006273.